The following is an entry in ClinVar:

ClinVar aggregate classification (germline): Uncertain significance. Review status: criteria provided, multiple submitters, no conflicts (2 of 4 stars). 2 submissions from 2 submitters: Uncertain significance (2). Last evaluated 2025-12-13.

Conditions:
Hypertrophic cardiomyopathy. Also called: HYPERTROPHIC MYOCARDIOPATHY. Identifiers: Orphanet 217569, MedGen C0007194, MeSH D002312, MONDO:0005045, HP:0001639.
Cardiomyopathy (CMYO). Also called: Cardiomyopathies. Identifiers: Orphanet 167848, MedGen C0878544, MONDO:0004994, HP:0001638. Inheritance: Various modes of inheritance.

Allele frequency attached by ClinVar (database versions not stated): gnomAD exomes below 0.00001.
gnomAD v4.1: 2 of 1,614,228 alleles (0.00012%); highest among the groups gnomAD compares: Admixed American, 0.0017%; no homozygotes.

Submissions (2):

Labcorp Genetics (formerly Invitae), Labcorp
Classification: Uncertain significance for Hypertrophic cardiomyopathy. Last evaluated: 2025-12-13. Review status: criteria provided, single submitter. Criteria: Invitae Variant Classification Sherloc (09022015). Collection method: clinical testing. Allele origin: germline.
Comment: This sequence change creates a premature translational stop signal (p.Tyr588*) in the MYH7 gene. It is expected to result in an absent or disrupted protein product. However, the current clinical and genetic evidence is not sufficient to establish whether loss-of-function variants in MYH7 cause disease. This variant is present in population databases (no rsID available, gnomAD 0.003%). This variant has not been reported in the literature in individuals affected with MYH7-related conditions. ClinVar contains an entry for this variant (Variation ID: 2773956). In summary, the available evidence is currently insufficient to determine the role of this variant in disease. Therefore, it has been classified as a Variant of Uncertain Significance.

Color Diagnostics, LLC DBA Color Health
Classification: Uncertain significance for Cardiomyopathy. Last evaluated: 2021-08-23. Review status: criteria provided, single submitter. Criteria: ACMG Guidelines, 2015. Collection method: clinical testing. Allele origin: germline.
Comment: This variant changes 1 nucleotide in exon 16 of the MYH7 gene, creating a premature translation stop signal. This variant is expected to result in an absent or non-functional protein product. To our knowledge, this variant has not been reported in individuals affected with cardiovascular disorders in the literature. This variant has been identified in 1/251492 chromosomes in the general population by the Genome Aggregation Database (gnomAD). Clinical significance of loss-of-function MYH7 truncation variants in autosomal dominant cardiovascular disorders is not clearly established. The available evidence is insufficient to determine the role of this variant in disease conclusively. Therefore, this variant is classified as a Variant of Uncertain Significance.

NM_000257.4(MYH7):c.1764C>A (p.Tyr588Ter)

Gene: MYH7 (myosin heavy chain 7; minus strand). Cytogenetic location: 14q11.2.
Variant type: single nucleotide variant.
Coding change: c.1764C>A on transcript NM_000257.4 (MANE Select); coding-DNA position 1764, C replaced by A.
Protein change: p.Tyr588Ter; replaces tyrosine 588 with a stop codon.
Molecular consequence: nonsense.
Genome position (GRCh38, 1-based): chr14:23,427,709, G>T on the plus strand (C>A on the coding strand, the complement: MYH7 is on the minus strand). VCF-style: chr14-23427709-G-T. GRCh37 (hg19) VCF-style: chr14-23896918-G-T.
Other names: c.1764C>A, p.Tyr588Ter (NM_001407004.1); short protein forms Y588*.
Identifiers: ClinVar variation 2773956 (VCV002773956.3), dbSNP rs1206242158, ClinGen allele CA389049869.